The following is an entry in ClinVar:

ClinVar aggregate classification (germline): Uncertain significance (1 of 4 stars; one submission).

gnomAD v4.1: 2 of 1,613,770 alleles (0.00012%); highest among the groups gnomAD compares: East Asian, 0.0022%; no homozygotes.

Submission:

Labcorp Genetics (formerly Invitae), Labcorp
Classification: Uncertain significance. Last evaluated: 2025-03-27. Review status: criteria provided, single submitter. Criteria: Invitae Variant Classification Sherloc (09022015). Collection method: clinical testing. Allele origin: germline.
Comment: This sequence change replaces arginine, which is basic and polar, with cysteine, which is neutral and slightly polar, at codon 1041 of the CLTC protein (p.Arg1041Cys). The frequency data for this variant in the population databases is considered unreliable, as metrics indicate poor data quality at this position in the gnomAD database. This variant has not been reported in the literature in individuals affected with CLTC-related conditions. Invitae Evidence Modeling of protein sequence and biophysical properties (such as structural, functional, and spatial information, amino acid conservation, physicochemical variation, residue mobility, and thermodynamic stability) indicates that this missense variant is not expected to disrupt CLTC protein function with a negative predictive value of 80%. In summary, the available evidence is currently insufficient to determine the role of this variant in disease. Therefore, it has been classified as a Variant of Uncertain Significance.

NM_004859.4(CLTC):c.3109C>T (p.Arg1037Cys)

Gene: CLTC (clathrin heavy chain; plus strand). Cytogenetic location: 17q23.1.
Variant type: single nucleotide variant.
Coding change: c.3109C>T on transcript NM_004859.4 (MANE Select); coding-DNA position 3109, C replaced by T.
Protein change: p.Arg1037Cys; replaces arginine 1037 with cysteine.
Molecular consequence: missense variant.
Genome position (GRCh38, 1-based): chr17:59,681,338, C>T. VCF-style: chr17-59681338-C-T. GRCh37 (hg19) VCF-style: chr17-57758699-C-T.
Other names: c.3121C>T, p.Arg1041Cys (NM_001288653.2); short protein forms R1037C, R1041C.
Identifiers: ClinVar variation 4695580 (VCV004695580.1).